The following is an entry in ClinVar:

ClinVar aggregate classification (germline): Conflicting classifications of pathogenicity. Review status: criteria provided, conflicting classifications (1 of 4 stars). 2 submissions from 2 submitters: Likely pathogenic (1); Uncertain significance (1). Last evaluated 2025-04-07.

Allele frequency attached by ClinVar (database versions not stated): gnomAD exomes below 0.00001; TOPMed 0.00002; ExAC 0.00001; gnomAD 0.00001.
gnomAD v4.1: 4 of 1,612,870 alleles (0.00025%); highest among the groups gnomAD compares: African/African-American, 0.004%; no homozygotes.

Submissions (2):

Labcorp Genetics (formerly Invitae), Labcorp
Classification: Likely pathogenic. Last evaluated: 2025-04-07. Review status: criteria provided, single submitter. Criteria: Invitae Variant Classification Sherloc (09022015). Collection method: clinical testing. Allele origin: germline.
Comment: This sequence change affects an acceptor splice site in intron 7 of the FBXL4 gene. It is expected to disrupt RNA splicing. Variants that disrupt the donor or acceptor splice site typically lead to a loss of protein function (PMID: 16199547), and loss-of-function variants in FBXL4 are known to be pathogenic (PMID: 23993193, 23993194, 25868664). This variant is present in population databases (rs767055284, gnomAD 0.02%). This variant has not been reported in the literature in individuals affected with FBXL4-related conditions. ClinVar contains an entry for this variant (Variation ID: 2909503). Algorithms developed to predict the effect of sequence changes on RNA splicing suggest that this variant may disrupt the consensus splice site. In summary, the currently available evidence indicates that the variant is pathogenic, but additional data are needed to prove that conclusively. Therefore, this variant has been classified as Likely Pathogenic.

Mayo Clinic Laboratories, Mayo Clinic
Classification: Uncertain significance. Last evaluated: 2024-06-04. Review status: criteria provided, single submitter. Criteria: ACMG Guidelines, 2015. Collection method: clinical testing. Allele origin: germline. Observed: 1 variant allele.
Comment: PM2, PVS1_strong

Literature cited by the submitters: PubMed 16199547 (cited by Labcorp Genetics (formerly Invitae), Labcorp); PubMed 23993193 (cited by Labcorp Genetics (formerly Invitae), Labcorp); PubMed 23993194 (cited by Labcorp Genetics (formerly Invitae), Labcorp); PubMed 25868664 (cited by Labcorp Genetics (formerly Invitae), Labcorp).

NM_001278716.2(FBXL4):c.1390-1G>A

Gene: FBXL4 (F-box and leucine rich repeat protein 4; minus strand). Cytogenetic location: 6q16.1.
Variant type: single nucleotide variant.
Coding change: c.1390-1G>A on transcript NM_001278716.2 (MANE Select); the canonical splice acceptor site of the intron before coding-DNA position 1390, G replaced by A.
Molecular consequence: splice acceptor variant.
Genome position (GRCh38, 1-based): chr6:98,875,728, C>T on the plus strand (G>A on the coding strand, the complement: FBXL4 is on the minus strand). VCF-style: chr6-98875728-C-T. GRCh37 (hg19) VCF-style: chr6-99323604-C-T.
Other names: c.1390-1G>A (NM_012160.5, NM_012160.4).
Identifiers: ClinVar variation 2909503 (VCV002909503.4), dbSNP rs767055284, ClinGen allele CA3933448.
Genomic context (GRCh38, chr6:98,875,728, plus strand): 5'-GGTCCGGAGTTTTTTACACTTGGCTCCTATCATGCTAGCTATCACATCATAGTCTTCAAT[C>T]TGGAAATCAAATAATTCCAATCTTTTACATGTTATGCTCAGACATGCAAACTGTTTAGAG-3'